The following is an entry in ClinVar:

NM_138420.4(AHNAK2):c.6399G>A (p.Ala2133=)

Gene: AHNAK2 (AHNAK nucleoprotein 2; minus strand). Cytogenetic location: 14q32.33.
Variant type: single nucleotide variant.
Coding change: c.6399G>A on transcript NM_138420.4 (MANE Select); coding-DNA position 6399, G replaced by A.
Protein change: p.Ala2133=; no amino-acid change (alanine 2133 retained).
Molecular consequence: synonymous variant.
Genome position (GRCh38, 1-based): chr14:104,949,052, C>T on the plus strand (G>A on the coding strand, the complement: AHNAK2 is on the minus strand). VCF-style: chr14-104949052-C-T. GRCh37 (hg19) VCF-style: chr14-105415389-C-T.
Other names: c.6099G>A, p.Ala2033= (NM_001350929.2).
Identifiers: ClinVar variation 2644743 (VCV002644743.24), dbSNP rs375789688, ClinGen allele CA7381181.
Genomic context (GRCh38, chr14:104,949,052, plus strand): 5'-GAACTTGCTGTCTTTGGTAGTCAGGTCCTTGTTGGCCAGGGTCAGGTCCCCCTGCAGATG[C>T]GCACTATCCAGCTTGGCTCTTGGGGCCTGGACGTCCACCTCCATGCTGGGCAGAGACACC-3'
Protein context (NP_612429.2, residues 2123-2143): VQAPRAKLDS[Ala2133=]HLQGDLTLAN

ClinVar aggregate classification (germline): Likely benign (1 of 4 stars; one submission).

Allele frequency attached by ClinVar (database versions not stated): 1000 Genomes Project 30x 0.00187; ESP Exome Variant Server 0.00201; ExAC 0.02398.

Submission:

CeGaT Center for Human Genetics Tuebingen
Classification: Likely benign. Last evaluated: 2023-07-01. Review status: criteria provided, single submitter. Criteria: CeGaT Center For Human Genetics Tuebingen Variant Classification Criteria Version 2. Collection method: clinical testing. Allele origin: germline. Affected: yes. Observed: 1 variant allele.
Comment: AHNAK2: BP4, BP7, BS2